The following is an entry in ClinVar:

ClinVar aggregate classification (germline): Likely pathogenic (1 of 4 stars; one submission).

Conditions:
Hydrocephalus, nonsyndromic, autosomal recessive 2. Also called: Hydrocephalus, congenital, 2, with or without brain or eye anomalies. Identifiers: Orphanet 2185, MedGen C3554691, MONDO:0014085, OMIM 615219.

Submission:

Juno Genomics, Hangzhou Juno Genomics, Inc
Classification: Likely pathogenic for Hydrocephalus, nonsyndromic, autosomal recessive 2. Review status: criteria provided, single submitter. Criteria: ACMG Guidelines, 2015. Collection method: clinical testing. Allele origin: germline.
Comment: Absent from controls (or at extremely low frequency if recessive) in Genome Aggregation Database.;Null variant in a gene where loss of function (LOF) is a known mechanism of disease.

NM_001378778.1(MPDZ):c.5896del (p.Ser1966fs)

Gene: MPDZ (multiple PDZ domain crumbs cell polarity complex component; minus strand). Cytogenetic location: 9p23.
Variant type: Deletion.
Coding change: c.5896del on transcript NM_001378778.1 (MANE Select); coding-DNA position 5896, one base deleted (T; older notation c.5896delT).
Protein change: p.Ser1966fs; shifts the reading frame from serine 1966.
Molecular consequence: frameshift variant.
Genome position (GRCh38, 1-based): chr9:13,109,998, A deleted on the plus strand (T on the coding strand, the reverse complement: MPDZ is on the minus strand); the first of 3 consecutive A bases (chr9:13,109,998-13,110,000); deleting any one gives the same sequence. VCF-style (leftmost placement, unchanged base first): chr9-13109997-GA-G. GRCh37 (hg19) VCF-style: chr9-13109996-GA-G.
Other names: c.5797del, p.Ser1933fs (NM_001261406.2, NM_001375416.1, NM_001375417.1 and 1 more transcripts); c.5710del, p.Ser1904fs (NM_001261407.2, NM_001375419.1); c.5896del, p.Ser1966fs (NM_001330637.2); c.5995del, p.Ser1999fs (NM_001375413.1); c.5686del, p.Ser1896fs (NM_001375420.1, NM_001375421.1, NM_001375422.1 and 2 more transcripts); c.5599del, p.Ser1867fs (NM_001375425.1, NM_001375426.1); c.5488del, p.Ser1830fs (NM_001375427.1); c.5809del, p.Ser1937fs (NM_003829.5); short protein forms S1830fs, S1867fs, S1896fs, S1904fs, S1933fs, S1937fs, S1966fs, S1999fs.
Identifiers: ClinVar variation 5019870 (VCV005019870.2).
Genomic context (GRCh38, chr9:13,109,997, plus strand): 5'-CATGTATGAACTCACCCTAAATCATCCTGAAATATACTGCTTGACGTCAGCCCAGTGAAA[GA>G]AAGACTGGAACTTGCAGGCTCCTGCTGATGACCTGTGACCACACTCACGTCTCCTCCAGC-3'